The following is an entry in ClinVar:

NM_004336.5(BUB1):c.2996T>C (p.Leu999Pro)

Gene: BUB1 (BUB1 mitotic checkpoint serine/threonine kinase; minus strand). Cytogenetic location: 2q13.
Variant type: single nucleotide variant.
Coding change: c.2996T>C on transcript NM_004336.5 (MANE Select); coding-DNA position 2996, T replaced by C.
Protein change: p.Leu999Pro; replaces leucine 999 with proline.
Molecular consequence: missense variant.
Genome position (GRCh38, 1-based): chr2:110,639,808, A>G on the plus strand (T>C on the coding strand, the complement: BUB1 is on the minus strand). VCF-style: chr2-110639808-A-G. GRCh37 (hg19) VCF-style: chr2-111397385-A-G.
Other names: c.2936T>C, p.Leu979Pro (NM_001278616.2); c.2825T>C, p.Leu942Pro (NM_001278617.2); short protein forms L942P, L979P, L999P.
Identifiers: ClinVar variation 2562175 (VCV002562175.2), dbSNP rs1689454277, ClinGen allele CA348088811.

ClinVar aggregate classification (germline): Uncertain significance (1 of 4 stars; one submission).

Allele frequency attached by ClinVar (database versions not stated): gnomAD exomes below 0.00001; TOPMed below 0.00001.
gnomAD v4.1: 1 of 1,614,154 alleles (0.000062%); highest among the groups gnomAD compares: Non-Finnish European, 0.000085%; no homozygotes.

Submission:

Ambry Genetics
Classification: Uncertain significance. Last evaluated: 2023-06-10. Review status: criteria provided, single submitter. Criteria: Ambry Variant Classification Scheme 2023. Collection method: clinical testing. Allele origin: germline.
Comment: The p.L999P variant (also known as c.2996T>C), located in coding exon 24 of the BUB1 gene, results from a T to C substitution at nucleotide position 2996. The leucine at codon 999 is replaced by proline, an amino acid with similar properties. This amino acid position is conserved. In addition, this alteration is predicted to be deleterious by in silico analysis. Since supporting evidence is limited at this time, the clinical significance of this alteration remains unclear.